The following is an entry in ClinVar:

NM_194318.4(B3GLCT):c.1194C>T (p.Phe398=)

Gene: B3GLCT (beta 3-glucosyltransferase; plus strand). Cytogenetic location: 13q12.3.
Variant type: single nucleotide variant.
Coding change: c.1194C>T on transcript NM_194318.4 (MANE Select); coding-DNA position 1194, C replaced by T.
Protein change: p.Phe398=; no amino-acid change (phenylalanine 398 retained).
Molecular consequence: synonymous variant.
Genome position (GRCh38, 1-based): chr13:31,323,760, C>T. VCF-style: chr13-31323760-C-T. GRCh37 (hg19) VCF-style: chr13-31897897-C-T.
Identifiers: ClinVar variation 2643717 (VCV002643717.26), dbSNP rs767785815, ClinGen allele CA6936859.

ClinVar aggregate classification (germline): Likely benign. Review status: criteria provided, multiple submitters, no conflicts (2 of 4 stars). 2 submissions from 2 submitters: Likely benign (2). Last evaluated 2024-08-13.

Conditions:
Peters plus syndrome. Also called: KRAUSE-KIVLIN SYNDROME. Identifiers: Orphanet 709, MedGen C0796012, MONDO:0009856, OMIM 261540.

Allele frequency attached by ClinVar (database versions not stated): TOPMed 0.00002; gnomAD 0.00003; ExAC 0.00021.
gnomAD v4.1: 145 of 1,614,034 alleles (0.009%); highest among the groups gnomAD compares: South Asian, 0.12%; 3 homozygotes.

Submissions (2):

Labcorp Genetics (formerly Invitae), Labcorp
Classification: Likely benign for Peters plus syndrome. Last evaluated: 2024-08-13. Review status: criteria provided, single submitter. Criteria: Invitae Variant Classification Sherloc (09022015). Collection method: clinical testing. Allele origin: germline.

CeGaT Center for Human Genetics Tuebingen
Classification: Likely benign. Last evaluated: 2024-01-01. Review status: criteria provided, single submitter. Criteria: CeGaT Center For Human Genetics Tuebingen Variant Classification Criteria Version 2. Collection method: clinical testing. Allele origin: germline. Affected: yes. Observed: 2 variant alleles.
Comment: B3GLCT: BP4, BP7